The following is an entry in ClinVar:

ClinVar aggregate classification (germline): Uncertain significance. Review status: criteria provided, multiple submitters, no conflicts (2 of 4 stars). 2 submissions from 2 submitters: Uncertain significance (2). Last evaluated 2026-04-14.

Conditions:
Inborn genetic diseases. Identifiers: MedGen C0950123, MeSH D030342.
Autoimmune interstitial lung disease-arthritis syndrome. Also called: Autoinflammation and autoimmunity, systemic, with immune dysregulation. Identifiers: Orphanet 444092, MedGen C5975714, MONDO:0014629.

Submissions (2):

Ambry Genetics
Classification: Uncertain significance for Inborn genetic diseases. Last evaluated: 2026-04-14. Review status: criteria provided, single submitter. Criteria: Ambry Variant Classification Scheme 2023. Collection method: clinical testing. Allele origin: germline.

Labcorp Genetics (formerly Invitae), Labcorp
Classification: Uncertain significance for Autoimmune interstitial lung disease-arthritis syndrome. Last evaluated: 2025-02-25. Review status: criteria provided, single submitter. Criteria: Invitae Variant Classification Sherloc (09022015). Collection method: clinical testing. Allele origin: germline.
Comment: This sequence change replaces arginine, which is basic and polar, with leucine, which is neutral and non-polar, at codon 648 of the COPA protein (p.Arg648Leu). This variant is not present in population databases (gnomAD no frequency). This variant has not been reported in the literature in individuals affected with COPA-related conditions. ClinVar contains an entry for this variant (Variation ID: 844628). Invitae Evidence Modeling of protein sequence and biophysical properties (such as structural, functional, and spatial information, amino acid conservation, physicochemical variation, residue mobility, and thermodynamic stability) indicates that this missense variant is expected to disrupt COPA protein function with a positive predictive value of 80%. In summary, the available evidence is currently insufficient to determine the role of this variant in disease. Therefore, it has been classified as a Variant of Uncertain Significance.

NM_004371.4(COPA):c.1943G>T (p.Arg648Leu)

Gene: COPA (coat protein complex I subunit alpha; minus strand). Cytogenetic location: 1q23.2.
Variant type: single nucleotide variant.
Coding change: c.1943G>T on transcript NM_004371.4 (MANE Select); coding-DNA position 1943, G replaced by T.
Protein change: p.Arg648Leu; replaces arginine 648 with leucine.
Molecular consequence: missense variant.
Genome position (GRCh38, 1-based): chr1:160,298,879, C>A on the plus strand (G>T on the coding strand, the complement: COPA is on the minus strand). VCF-style: chr1-160298879-C-A. GRCh37 (hg19) VCF-style: chr1-160268669-C-A.
Other names: c.1970G>T, p.Arg657Leu (NM_001098398.2); c.1970G>T (NM_001098398.1); short protein forms R657L, R648L.
Identifiers: ClinVar variation 844628 (VCV000844628.12), dbSNP rs746774599, ClinGen allele CA343280259.
Genomic context (GRCh38, chr1:160,298,879, plus strand): 5'-GGGGCTGATGACCATATTCCTCTCACCTCAATGTTTCCACACTCCAGTGCCAGACTAAAG[C>A]GAGTTTTCTCATCCTTGACAAAATGCAGTGCCACTTCAGGATAGCCCTTCTTCTGGAGAT-3'
Protein context (NP_004362.2, residues 638-658): ALHFVKDEKT[Arg648Leu]FSLALECGNI